The following is an entry in ClinVar:

NM_000384.3(APOB):c.3962T>C (p.Leu1321Pro)

Gene: APOB (apolipoprotein B; minus strand). Cytogenetic location: 2p24.1.
Variant type: single nucleotide variant.
Coding change: c.3962T>C on transcript NM_000384.3 (MANE Select); coding-DNA position 3962, T replaced by C.
Protein change: p.Leu1321Pro; replaces leucine 1321 with proline.
Molecular consequence: missense variant.
Genome position (GRCh38, 1-based): chr2:21,013,414, A>G on the plus strand (T>C on the coding strand, the complement: APOB is on the minus strand). VCF-style: chr2-21013414-A-G. GRCh37 (hg19) VCF-style: chr2-21236286-A-G.
Other names: short protein forms L1321P.
Identifiers: ClinVar variation 1003219 (VCV001003219.8), dbSNP rs967949278, ClinGen allele CA43509540.

ClinVar aggregate classification (germline): Uncertain significance (1 of 4 stars; one submission).

Conditions:
Familial hypobetalipoproteinemia 1. Also called: APOB-Related Familial Hypobetalipoproteinemia; Hypobetalipoproteinemia, normotriglyceridemic; Acanthocytosis with hypobetalipoproteinemia. Identifiers: MedGen C4551990, MONDO:0014252, OMIM 615558.
Hypercholesterolemia, autosomal dominant, type B (FHCL2). Also called: APOLIPOPROTEIN B-100, FAMILIAL DEFECTIVE; APOLIPOPROTEIN B-100, FAMILIAL LIGAND-DEFECTIVE; HYPERCHOLESTEROLEMIA, FAMILIAL, DUE TO LIGAND-DEFECTIVE APOLIPOPROTEIN B; Hyperlipoproteinemia Type IIb; Familial hypercholesterolemia 2; Familial Hypercholesterolemia Type B. Identifiers: MedGen C1704417, MONDO:0007751, OMIM 144010.

Allele frequency attached by ClinVar (database versions not stated): TOPMed below 0.00001; gnomAD exomes 0.00001.
gnomAD v4.1: 5 of 1,614,220 alleles (0.00031%); highest among the groups gnomAD compares: Non-Finnish European, 0.00042%; no homozygotes.

Submission:

Labcorp Genetics (formerly Invitae), Labcorp
Classification: Uncertain significance for Familial hypobetalipoproteinemia 1; Hypercholesterolemia, autosomal dominant, type B. Last evaluated: 2021-08-26. Review status: criteria provided, single submitter. Criteria: Invitae Variant Classification Sherloc (09022015). Collection method: clinical testing. Allele origin: germline.
Comment: This sequence change replaces leucine with proline at codon 1321 of the APOB protein (p.Leu1321Pro). The leucine residue is moderately conserved and there is a moderate physicochemical difference between leucine and proline. This variant is not present in population databases (ExAC no frequency). This variant has not been reported in the literature in individuals affected with APOB-related conditions. Algorithms developed to predict the effect of missense changes on protein structure and function are either unavailable or do not agree on the potential impact of this missense change (SIFT: "Deleterious"; PolyPhen-2: "Probably Damaging"; Align-GVGD: "Class C0"). In summary, the available evidence is currently insufficient to determine the role of this variant in disease. Therefore, it has been classified as a Variant of Uncertain Significance.